The following is an entry in ClinVar:

ClinVar aggregate classification (germline): Uncertain significance. Review status: criteria provided, multiple submitters, no conflicts (2 of 4 stars). 2 submissions from 2 submitters: Uncertain significance (2). Last evaluated 2025-11-25.

Conditions:
Inborn genetic diseases. Identifiers: MedGen C0950123, MeSH D030342.
Baller-Gerold syndrome (BGS). Also called: CRANIOSYNOSTOSIS WITH RADIAL DEFECTS. Identifiers: Orphanet 1225, MedGen C0265308, MONDO:0009039, OMIM 218600.

Submissions (2):

Ambry Genetics
Classification: Uncertain significance for Inborn genetic diseases. Last evaluated: 2025-11-25. Review status: criteria provided, single submitter. Criteria: Ambry Variant Classification Scheme 2023. Collection method: clinical testing. Allele origin: germline.
Comment: The p.H900N variant (also known as c.2698C>A), located in coding exon 15 of the RECQL4 gene, results from a C to A substitution at nucleotide position 2698. The histidine at codon 900 is replaced by asparagine, an amino acid with similar properties. This amino acid position is conserved. Based on the available evidence, the clinical significance of this variant remains unclear.

Labcorp Genetics (formerly Invitae), Labcorp
Classification: Uncertain significance for Baller-Gerold syndrome. Last evaluated: 2023-12-28. Review status: criteria provided, single submitter. Criteria: Invitae Variant Classification Sherloc (09022015). Collection method: clinical testing. Allele origin: germline.
Comment: This sequence change replaces histidine, which is basic and polar, with asparagine, which is neutral and polar, at codon 900 of the RECQL4 protein (p.His900Asn). This variant is not present in population databases (gnomAD no frequency). This variant has not been reported in the literature in individuals affected with RECQL4-related conditions. ClinVar contains an entry for this variant (Variation ID: 2085954). Advanced modeling of protein sequence and biophysical properties (such as structural, functional, and spatial information, amino acid conservation, physicochemical variation, residue mobility, and thermodynamic stability) performed at Invitae indicates that this missense variant is expected to disrupt RECQL4 protein function with a positive predictive value of 80%. In summary, the available evidence is currently insufficient to determine the role of this variant in disease. Therefore, it has been classified as a Variant of Uncertain Significance.

NM_004260.4(RECQL4):c.2698C>A (p.His900Asn)

Gene: RECQL4 (RecQ like helicase 4; minus strand). Cytogenetic location: 8q24.3.
Variant type: single nucleotide variant.
Coding change: c.2698C>A on transcript NM_004260.4 (MANE Select); coding-DNA position 2698, C replaced by A.
Protein change: p.His900Asn; replaces histidine 900 with asparagine.
Molecular consequence: missense variant.
Genome position (GRCh38, 1-based): chr8:144,512,904, G>T on the plus strand (C>A on the coding strand, the complement: RECQL4 is on the minus strand). VCF-style: chr8-144512904-G-T. GRCh37 (hg19) VCF-style: chr8-145738287-G-T.
Other names: c.1627C>A, p.His543Asn (NM_001413035.1, NM_001413040.1, NM_001413021.1 and 5 more transcripts); c.2698C>A, p.His900Asn (NM_001413036.1, NM_001413019.1); c.1495C>A, p.His499Asn (NM_001413037.1); c.1429C>A, p.His477Asn (NM_001413038.1, NM_001413031.1); c.2668C>A, p.His890Asn (NM_001413039.1); c.1561C>A, p.His521Asn (NM_001413041.1, NM_001413027.1, NM_001413030.1 and 1 more transcripts); c.1597C>A, p.His533Asn (NM_001413042.1); c.1231C>A, p.His411Asn (NM_001413043.1); and 7 more; short protein forms H411N, H499N, H802N, H868N, H543N, H890N, H477N, H856N.
Identifiers: ClinVar variation 2085954 (VCV002085954.5), dbSNP rs2537997914, ClinGen allele CA372675149.